The following is an entry in ClinVar:

NM_025114.4(CEP290):c.6374A>G (p.Lys2125Arg)

Gene: CEP290 (centrosomal protein 290; minus strand). Cytogenetic location: 12q21.32.
Variant type: single nucleotide variant.
Coding change: c.6374A>G on transcript NM_025114.4 (MANE Select); coding-DNA position 6374, A replaced by G.
Protein change: p.Lys2125Arg; replaces lysine 2125 with arginine.
Molecular consequence: missense variant.
Genome position (GRCh38, 1-based): chr12:88,060,978, T>C on the plus strand (A>G on the coding strand, the complement: CEP290 is on the minus strand). VCF-style: chr12-88060978-T-C. GRCh37 (hg19) VCF-style: chr12-88454755-T-C.
Other names: short protein forms K2125R.
Identifiers: ClinVar variation 5001610 (VCV005001610.1).

ClinVar aggregate classification (germline): Uncertain significance (1 of 4 stars; one submission).

Conditions:
CEP290-related disorder. Also called: CEP290-related condition; CEP290-related disorders. Identifiers: MedGen CN239314.

Submission:

PreventionGenetics, part of Exact Sciences
Classification: Uncertain significance for CEP290-related condition. Last evaluated: 2025-01-08. Review status: criteria provided, single submitter. Criteria: ACMG Guidelines, 2015. Collection method: clinical testing. Allele origin: germline.
Comment: The CEP290 c.6374A>G variant is predicted to result in the amino acid substitution p.Lys2125Arg. To our knowledge, this variant has not been reported in the literature or in a large population database (gnomAD), indicating this variant is rare. At this time, the clinical significance of this variant is uncertain due to the absence of conclusive functional and genetic evidence.